The following is an entry in ClinVar:

ClinVar aggregate classification (germline): Uncertain significance (1 of 4 stars; one submission).

Submission:

Ambry Genetics
Classification: Uncertain significance. Last evaluated: 2025-05-15. Review status: criteria provided, single submitter. Criteria: Ambry Variant Classification Scheme 2023. Collection method: clinical testing. Allele origin: germline.
Comment: The p.R1178L variant (also known as c.3533G>T), located in coding exon 14 of the WNK2 gene, results from a G to T substitution at nucleotide position 3533. The arginine at codon 1178 is replaced by leucine, an amino acid with dissimilar properties. This amino acid position is conserved. In addition, the in silico prediction for this alteration is inconclusive. Based on the available evidence, the clinical significance of this variant remains unclear.

NM_006648.4(WNK2):c.3533G>T (p.Arg1178Leu)

Gene: WNK2 (WNK lysine deficient protein kinase 2; plus strand). Cytogenetic location: 9q22.31.
Variant type: single nucleotide variant.
Coding change: c.3533G>T on transcript NM_006648.4 (MANE Select); coding-DNA position 3533, G replaced by T.
Protein change: p.Arg1178Leu; replaces arginine 1178 with leucine.
Molecular consequence: missense variant.
Genome position (GRCh38, 1-based): chr9:93,263,688, G>T. VCF-style: chr9-93263688-G-T. GRCh37 (hg19) VCF-style: chr9-96025970-G-T.
Other names: c.3533G>T, p.Arg1178Leu (NM_001282394.3); short protein forms R1178L.
Identifiers: ClinVar variation 3982039 (VCV003982039.1).